The following is an entry in ClinVar:

NM_001040142.2(SCN2A):c.5236T>C (p.Cys1746Arg)

Gene: SCN2A (sodium voltage-gated channel alpha subunit 2; plus strand). Cytogenetic location: 2q24.3.
Variant type: single nucleotide variant.
Coding change: c.5236T>C on transcript NM_001040142.2 (MANE Select); coding-DNA position 5236, T replaced by C.
Protein change: p.Cys1746Arg; replaces cysteine 1746 with arginine.
Molecular consequence: missense variant.
Genome position (GRCh38, 1-based): chr2:165,389,042, T>C. VCF-style: chr2-165389042-T-C. GRCh37 (hg19) VCF-style: chr2-166245552-T-C.
Other names: c.5236T>C, p.Cys1746Arg (NM_001040143.2, NM_001371246.1, NM_001371247.1 and 1 more transcripts); short protein forms C1746R.
Identifiers: ClinVar variation 2015810 (VCV002015810.4), dbSNP rs2468158677, ClinGen allele CA349038513.

ClinVar aggregate classification (germline): Uncertain significance (1 of 4 stars; one submission).

Conditions:
Seizures, benign familial infantile, 3 (BFIS3). Also called: CONVULSIONS, BENIGN FAMILIAL INFANTILE, 3; Familial neonatal seizures. Identifiers: Orphanet 140927, Orphanet 306, MedGen C1843140, MONDO:0011904, OMIM 607745.
Developmental and epileptic encephalopathy, 11 (DEE11). Also called: Early infantile epileptic encephalopathy 11. Identifiers: Orphanet 1934, MedGen C3150987, MONDO:0013388, OMIM 613721.

Submission:

Labcorp Genetics (formerly Invitae), Labcorp
Classification: Uncertain significance for Seizures, benign familial infantile, 3; Developmental and epileptic encephalopathy, 11. Last evaluated: 2024-10-22. Review status: criteria provided, single submitter. Criteria: Invitae Variant Classification Sherloc (09022015). Collection method: clinical testing. Allele origin: germline.
Comment: This sequence change replaces cysteine, which is neutral and slightly polar, with arginine, which is basic and polar, at codon 1746 of the SCN2A protein (p.Cys1746Arg). This variant is not present in population databases (gnomAD no frequency). This variant has not been reported in the literature in individuals affected with SCN2A-related conditions. ClinVar contains an entry for this variant (Variation ID: 2015810). Invitae Evidence Modeling of protein sequence and biophysical properties (such as structural, functional, and spatial information, amino acid conservation, physicochemical variation, residue mobility, and thermodynamic stability) indicates that this missense variant is expected to disrupt SCN2A protein function with a positive predictive value of 95%. In summary, the available evidence is currently insufficient to determine the role of this variant in disease. Therefore, it has been classified as a Variant of Uncertain Significance.